The following is an entry in ClinVar:

ClinVar aggregate classification (germline): Conflicting classifications of pathogenicity. Review status: criteria provided, conflicting classifications (1 of 4 stars). 2 submissions from 2 submitters: Uncertain significance (1); Likely benign (1). Last evaluated 2025-05-01.

Conditions:
Alstrom syndrome (ALMS). Identifiers: Orphanet 64, MedGen C0268425, MONDO:0008763, OMIM 203800.
Cardiovascular phenotype. Identifiers: MedGen CN230736.

gnomAD v4.1: 6 of 1,614,026 alleles (0.00037%); highest among the groups gnomAD compares: Non-Finnish European, 0.00051%; no homozygotes.

Submissions (2):

Labcorp Genetics (formerly Invitae), Labcorp
Classification: Uncertain significance for Alstrom syndrome. Last evaluated: 2025-05-01. Review status: criteria provided, single submitter. Criteria: Invitae Variant Classification Sherloc (09022015). Collection method: clinical testing. Allele origin: germline.
Comment: This sequence change replaces glutamine, which is neutral and polar, with histidine, which is basic and polar, at codon 3582 of the ALMS1 protein (p.Gln3582His). The frequency data for this variant in the population databases is considered unreliable, as metrics indicate poor data quality at this position in the gnomAD database. This variant has not been reported in the literature in individuals affected with ALMS1-related conditions. Experimental studies and prediction algorithms are not available or were not evaluated, and the functional significance of this variant is currently unknown. In summary, the available evidence is currently insufficient to determine the role of this variant in disease. Therefore, it has been classified as a Variant of Uncertain Significance.

Ambry Genetics
Classification: Likely benign for Cardiovascular phenotype. Last evaluated: 2024-12-23. Review status: criteria provided, single submitter. Criteria: Ambry Variant Classification Scheme 2023. Collection method: clinical testing. Allele origin: germline.

NM_001378454.1(ALMS1):c.10743A>C (p.Gln3581His)

Gene: ALMS1 (ALMS1 centrosome and basal body associated protein; plus strand). Cytogenetic location: 2p13.1.
Variant type: single nucleotide variant.
Coding change: c.10743A>C on transcript NM_001378454.1 (MANE Select); coding-DNA position 10743, A replaced by C.
Protein change: p.Gln3581His; replaces glutamine 3581 with histidine.
Molecular consequence: missense variant.
Genome position (GRCh38, 1-based): chr2:73,572,620, A>C. VCF-style: chr2-73572620-A-C. GRCh37 (hg19) VCF-style: chr2-73799747-A-C.
Other names: c.10746A>C, p.Gln3582His (NM_015120.4); short protein forms Q3582H, Q3581H.
Identifiers: ClinVar variation 3857244 (VCV003857244.2).